The following is an entry in ClinVar:

NM_005055.5(RAPSN):c.1210C>T (p.Arg404Cys)

Gene: RAPSN (receptor associated protein of the synapse; minus strand). Cytogenetic location: 11p11.2.
Variant type: single nucleotide variant.
Coding change: c.1210C>T on transcript NM_005055.5 (MANE Select); coding-DNA position 1210, C replaced by T.
Protein change: p.Arg404Cys; replaces arginine 404 with cysteine.
Molecular consequence: missense variant.
Genome position (GRCh38, 1-based): chr11:47,438,004, G>A on the plus strand (C>T on the coding strand, the complement: RAPSN is on the minus strand). VCF-style: chr11-47438004-G-A. GRCh37 (hg19) VCF-style: chr11-47459555-G-A.
Other names: c.1033C>T, p.Arg345Cys (NM_032645.5); short protein forms R404C, R345C.
Identifiers: ClinVar variation 1912214 (VCV001912214.5), dbSNP rs750941408, ClinGen allele CA5976453.
Genomic context (GRCh38, chr11:47,438,004, plus strand): 5'-CGAGGAGGAAGCCCACGCCTGCTGCCAGGAGTCATACAAAGCCAGGCTTCATGGATGAGC[G>A]GCGGCAGTTGGGACAGCTCCGGGTCCCGTTGTTCTGCAGGCACCTGGGGAGGCAAAGGGC-3'
Protein context (NP_005046.2, residues 394-412): NGTRSCPNCR[Arg404Cys]SSMKPGFV

ClinVar aggregate classification (germline): Uncertain significance. Review status: criteria provided, multiple submitters, no conflicts (2 of 4 stars). 2 submissions from 2 submitters: Uncertain significance (2). Last evaluated 2026-01-19.

Conditions:
Fetal akinesia deformation sequence 1 (FADS1). Also called: Pena-Shokeir syndrome type I; Fetal akinesia sequence. Identifiers: Orphanet 994, MedGen C1276035, MONDO:0100101, OMIM 208150, HP:0001989.
Congenital myasthenic syndrome 11. Also called: MYASTHENIC SYNDROME, CONGENITAL, Ie; Myasthenic syndrome, congenital, 11, associated with acetylcholine receptor deficiency. Identifiers: Orphanet 590, MedGen C4225367, MONDO:0014588, OMIM 616326.

Allele frequency attached by ClinVar (database versions not stated): ExAC 0.00005; gnomAD 0.00001; gnomAD exomes 0.00001.

Submissions (2):

Labcorp Genetics (formerly Invitae), Labcorp
Classification: Uncertain significance for Congenital myasthenic syndrome 11; Fetal akinesia deformation sequence 1. Last evaluated: 2026-01-19. Review status: criteria provided, single submitter. Criteria: Invitae Variant Classification Sherloc (09022015). Collection method: clinical testing. Allele origin: germline.
Comment: This sequence change replaces arginine, which is basic and polar, with cysteine, which is neutral and slightly polar, at codon 404 of the RAPSN protein (p.Arg404Cys). This variant is present in population databases (rs750941408, gnomAD 0.02%). This variant has not been reported in the literature in individuals affected with RAPSN-related conditions. ClinVar contains an entry for this variant (Variation ID: 1912214). Invitae Evidence Modeling of protein sequence and biophysical properties (such as structural, functional, and spatial information, amino acid conservation, physicochemical variation, residue mobility, and thermodynamic stability) indicates that this missense variant is not expected to disrupt RAPSN protein function with a negative predictive value of 80%. In summary, the available evidence is currently insufficient to determine the role of this variant in disease. Therefore, it has been classified as a Variant of Uncertain Significance.

Revvity Omics, Revvity
Classification: Uncertain significance. Last evaluated: 2023-11-14. Review status: criteria provided, single submitter. Criteria: ACMG Guidelines, 2015. Collection method: clinical testing. Allele origin: germline.